The following is an entry in ClinVar:

ClinVar aggregate classification (germline): Uncertain significance. Review status: criteria provided, multiple submitters, no conflicts (2 of 4 stars). 2 submissions from 2 submitters: Uncertain significance (2). Last evaluated 2025-06-12.

Allele frequency attached by ClinVar (database versions not stated): gnomAD 0.00003; ExAC 0.00006; gnomAD exomes 0.00002; TOPMed 0.00002; 1000 Genomes Project 30x 0.00016; 1000 Genomes Project 0.00020.
gnomAD v4.1: 30 of 1,613,504 alleles (0.0019%); highest among the groups gnomAD compares: South Asian, 0.0033%; no homozygotes.

Submissions (2):

Labcorp Genetics (formerly Invitae), Labcorp
Classification: Uncertain significance. Last evaluated: 2025-06-12. Review status: criteria provided, single submitter. Criteria: Invitae Variant Classification Sherloc (09022015). Collection method: clinical testing. Allele origin: germline.
Comment: This sequence change replaces aspartic acid, which is acidic and polar, with asparagine, which is neutral and polar, at codon 139 of the ATP4A protein (p.Asp139Asn). This variant is present in population databases (rs533067520, gnomAD 0.01%). This variant has not been reported in the literature in individuals affected with ATP4A-related conditions. ClinVar contains an entry for this variant (Variation ID: 2325504). An algorithm developed to predict the effect of missense changes on protein structure and function (PolyPhen-2) suggests that this variant is likely to be tolerated. In summary, the available evidence is currently insufficient to determine the role of this variant in disease. Therefore, it has been classified as a Variant of Uncertain Significance.

Ambry Genetics
Classification: Uncertain significance. Last evaluated: 2025-03-03. Review status: criteria provided, single submitter. Criteria: Ambry Variant Classification Scheme 2023. Collection method: clinical testing. Allele origin: germline.

NM_000704.3(ATP4A):c.415G>A (p.Asp139Asn)

Gene: ATP4A (ATPase H+/K+ transporting subunit alpha; minus strand). Cytogenetic location: 19q13.12.
Variant type: single nucleotide variant.
Coding change: c.415G>A on transcript NM_000704.3 (MANE Select); coding-DNA position 415, G replaced by A.
Protein change: p.Asp139Asn; replaces aspartic acid 139 with asparagine.
Molecular consequence: missense variant.
Genome position (GRCh38, 1-based): chr19:35,562,440, C>T on the plus strand (G>A on the coding strand, the complement: ATP4A is on the minus strand). VCF-style: chr19-35562440-C-T. GRCh37 (hg19) VCF-style: chr19-36053342-C-T.
Other names: short protein forms D139N.
Identifiers: ClinVar variation 2325504 (VCV002325504.5), dbSNP rs533067520, ClinGen allele CA9381429.